The following is an entry in ClinVar:

NM_018136.5(ASPM):c.2173G>C (p.Val725Leu)

Gene: ASPM (assembly factor for spindle microtubules; minus strand). Cytogenetic location: 1q31.3.
Variant type: single nucleotide variant.
Coding change: c.2173G>C on transcript NM_018136.5 (MANE Select); coding-DNA position 2173, G replaced by C.
Protein change: p.Val725Leu; replaces valine 725 with leucine.
Molecular consequence: missense variant.
Genome position (GRCh38, 1-based): chr1:197,135,096, C>G on the plus strand (G>C on the coding strand, the complement: ASPM is on the minus strand). VCF-style: chr1-197135096-C-G. GRCh37 (hg19) VCF-style: chr1-197104226-C-G.
Other names: c.2173G>C, p.Val725Leu (NM_001206846.2); short protein forms V725L.
Identifiers: ClinVar variation 1504965 (VCV001504965.6), dbSNP rs2125110318, ClinGen allele CA344010288.
Genomic context (GRCh38, chr1:197,135,096, plus strand): 5'-TGTTAAAAATCTTTATCTGTTAAAAGTATTATTAAATTTAAACATTAATTTAACGTTTAC[C>G]TTCAGAAATATTTGTTTTTACAGTGAAGTCATCAGGGGTTAATATAAAATTTAACCACCA-3'
Protein context (NP_060606.3, residues 715-735): DFTVKTNISE[Val725Leu]NAATLLLGIE

ClinVar aggregate classification (germline): Uncertain significance (1 of 4 stars; one submission).

gnomAD v4.1: 2 of 1,570,528 alleles (0.00013%); highest among the groups gnomAD compares: Non-Finnish European, 0.00017%; no homozygotes.

Submission:

Labcorp Genetics (formerly Invitae), Labcorp
Classification: Uncertain significance. Last evaluated: 2021-07-22. Review status: criteria provided, single submitter. Criteria: Invitae Variant Classification Sherloc (09022015). Collection method: clinical testing. Allele origin: germline.
Comment: This sequence change replaces valine with leucine at codon 725 of the ASPM protein (p.Val725Leu). The valine residue is highly conserved and there is a small physicochemical difference between valine and leucine. This variant also falls at the last nucleotide of exon 5, which is part of the consensus splice site for this exon. This variant is not present in population databases (ExAC no frequency). This variant has not been reported in the literature in individuals affected with ASPM-related conditions. Algorithms developed to predict the effect of missense changes on protein structure and function are either unavailable or do not agree on the potential impact of this missense change (SIFT: "Deleterious"; PolyPhen-2: "Possibly Damaging"; Align-GVGD: "Class C0"). Nucleotide substitutions within the consensus splice site are a relatively common cause of aberrant splicing (PMID: 17576681, 9536098). Algorithms developed to predict the effect of sequence changes on RNA splicing suggest that this variant may disrupt the consensus splice site. In summary, the available evidence is currently insufficient to determine the role of this variant in disease. Therefore, it has been classified as a Variant of Uncertain Significance.

Literature cited by the submitters: PubMed 17576681; PubMed 9536098.